The following is an entry in ClinVar:

NM_001077365.2(POMT1):c.1371C>G (p.Ser457Arg)

Gene: POMT1 (protein O-mannosyltransferase 1; plus strand). Cytogenetic location: 9q34.13.
Variant type: single nucleotide variant.
Coding change: c.1371C>G on transcript NM_001077365.2 (MANE Select); coding-DNA position 1371, C replaced by G.
Protein change: p.Ser457Arg; replaces serine 457 with arginine.
Molecular consequence: missense variant. On other transcripts: non-coding transcript variant (10), intron variant (1).
Genome position (GRCh38, 1-based): chr9:131,518,842, C>G. VCF-style: chr9-131518842-C-G. GRCh37 (hg19) VCF-style: chr9-134394229-C-G.
Other names: c.1209C>G, p.Ser403Arg (NM_001077366.2, NM_001353194.2); c.1371C>G, p.Ser457Arg (NM_001136113.2); c.1020C>G, p.Ser340Arg (NM_001136114.2, NM_001353195.2, NM_001374691.1 and 2 more transcripts); c.1437C>G, p.Ser479Arg (NM_001353193.2, NM_007171.4); c.1281C>G, p.Ser427Arg (NM_001353196.2); c.1275C>G, p.Ser425Arg (NM_001353197.2, NM_001353198.2); c.1086C>G, p.Ser362Arg (NM_001353199.2); c.915C>G, p.Ser305Arg (NM_001353200.2); and 3 more; short protein forms S403R, S362R, S305R, S340R, S479R, S327R, S425R, S427R.
Identifiers: ClinVar variation 1374758 (VCV001374758.6), dbSNP rs746412899, ClinGen allele CA375311712.

ClinVar aggregate classification (germline): Uncertain significance (1 of 4 stars; one submission).

Conditions:
Walker-Warburg congenital muscular dystrophy. Also called: Muscular dystrophy-dystroglycanopathy, type A; Walker-Warburg syndrome. Identifiers: Orphanet 899, MedGen C0265221, MONDO:0000171.
Autosomal recessive limb-girdle muscular dystrophy type 2K. Also called: MUSCULAR DYSTROPHY, LIMB-GIRDLE, TYPE 2K; MUSCULAR DYSTROPHY-DYSTROGLYCANOPATHY (LIMB-GIRDLE), TYPE C, 1. Identifiers: Orphanet 86812, MedGen C1836373, MONDO:0012248, OMIM 609308.
Muscular dystrophy-dystroglycanopathy (congenital with impaired intellectual development), type B, 1. Also called: MUSCULAR DYSTROPHY, CONGENITAL, POMT1-RELATED; Muscular dystrophy-dystroglycanopathy (congenital with intellectual disability), type B1. Identifiers: MedGen C5436962, MONDO:0013159, OMIM 613155.

Submission:

Labcorp Genetics (formerly Invitae), Labcorp
Classification: Uncertain significance for Muscular dystrophy-dystroglycanopathy (congenital with impaired intellectual development), type B, 1; Walker-Warburg congenital muscular dystrophy; Autosomal recessive limb-girdle muscular dystrophy type 2K. Last evaluated: 2022-07-12. Review status: criteria provided, single submitter. Criteria: Invitae Variant Classification Sherloc (09022015). Collection method: clinical testing. Allele origin: germline.
Comment: In summary, the available evidence is currently insufficient to determine the role of this variant in disease. Therefore, it has been classified as a Variant of Uncertain Significance. Algorithms developed to predict the effect of missense changes on protein structure and function are either unavailable or do not agree on the potential impact of this missense change (SIFT: "Deleterious"; PolyPhen-2: "Probably Damaging"; Align-GVGD: "Class C15"). ClinVar contains an entry for this variant (Variation ID: 1374758). This variant has not been reported in the literature in individuals affected with POMT1-related conditions. This variant is not present in population databases (gnomAD no frequency). This sequence change replaces serine, which is neutral and polar, with arginine, which is basic and polar, at codon 479 of the POMT1 protein (p.Ser479Arg).